The following is an entry in ClinVar:

NM_003482.4(KMT2D):c.7726C>G (p.Gln2576Glu)

Gene: KMT2D (lysine methyltransferase 2D; minus strand). Cytogenetic location: 12q13.12.
Variant type: single nucleotide variant.
Coding change: c.7726C>G on transcript NM_003482.4 (MANE Select); coding-DNA position 7726, C replaced by G.
Protein change: p.Gln2576Glu; replaces glutamine 2576 with glutamic acid.
Molecular consequence: missense variant.
Genome position (GRCh38, 1-based): chr12:49,040,044, G>C on the plus strand (C>G on the coding strand, the complement: KMT2D is on the minus strand). VCF-style: chr12-49040044-G-C. GRCh37 (hg19) VCF-style: chr12-49433827-G-C.
Other names: short protein forms Q2576E.
Identifiers: ClinVar variation 2248753 (VCV002248753.3), dbSNP rs761581210, ClinGen allele CA6547001.

ClinVar aggregate classification (germline): Uncertain significance. Review status: criteria provided, multiple submitters, no conflicts (2 of 4 stars). 2 submissions from 2 submitters: Uncertain significance (2). Last evaluated 2026-03-23.

Conditions:
Inborn genetic diseases. Identifiers: MedGen C0950123, MeSH D030342.
KMT2D-related disorder. Also called: KMT2D-Related Disorders.

Allele frequency attached by ClinVar (database versions not stated): gnomAD 0.00001; gnomAD exomes 0.00001; TOPMed 0.00001; ExAC 0.00003.

Submissions (2):

PreventionGenetics, part of Exact Sciences
Classification: Uncertain significance for KMT2D-related condition. Last evaluated: 2026-03-23. Review status: criteria provided, single submitter. Criteria: ACMG Guidelines, 2015. Collection method: clinical testing. Allele origin: germline.
Comment: The KMT2D c.7726C>G variant is predicted to result in the amino acid substitution p.Gln2576Glu. To our knowledge, this variant has not been reported in the literature. This variant is reported in 0.0029% of alleles in individuals of Latino descent in gnomAD. At this time, the clinical significance of this variant is uncertain due to the absence of conclusive functional and genetic evidence.

Ambry Genetics
Classification: Uncertain significance for Inborn genetic diseases. Last evaluated: 2021-09-14. Review status: criteria provided, single submitter. Criteria: Ambry Variant Classification Scheme 2023. Collection method: clinical testing. Allele origin: germline.